The following is an entry in ClinVar:

ClinVar aggregate classification (germline): Uncertain significance (1 of 4 stars; one submission).

Conditions:
Nemaline myopathy 2 (NEM2). Also called: Nemaline myopathy 2, autosomal recessive. Identifiers: MedGen C1850569, MONDO:0009725, OMIM 256030.

Submission:

Labcorp Genetics (formerly Invitae), Labcorp
Classification: Uncertain significance for Nemaline myopathy 2. Last evaluated: 2022-03-17. Review status: criteria provided, single submitter. Criteria: Invitae Variant Classification Sherloc (09022015). Collection method: clinical testing. Allele origin: germline.
Comment: This variant is not present in population databases (gnomAD no frequency). This sequence change affects codon 1500 of the NEB mRNA. It is a 'silent' change, meaning that it does not change the encoded amino acid sequence of the NEB protein. This variant has not been reported in the literature in individuals affected with NEB-related conditions. In summary, the available evidence is currently insufficient to determine the role of this variant in disease. Therefore, it has been classified as a Variant of Uncertain Significance. Algorithms developed to predict the effect of sequence changes on RNA splicing suggest that this variant may create or strengthen a splice site.

NM_001164508.2(NEB):c.4498C>T (p.Leu1500=)

Gene: NEB (nebulin; minus strand). Cytogenetic location: 2q23.3.
Variant type: single nucleotide variant.
Coding change: c.4498C>T on transcript NM_001164508.2 (MANE Select); coding-DNA position 4498, C replaced by T.
Protein change: p.Leu1500=; no amino-acid change (leucine 1500 retained).
Molecular consequence: synonymous variant.
Genome position (GRCh38, 1-based): chr2:151,671,031, G>A on the plus strand (C>T on the coding strand, the complement: NEB is on the minus strand). VCF-style: chr2-151671031-G-A. GRCh37 (hg19) VCF-style: chr2-152527545-G-A.
Other names: c.4498C>T, p.Leu1500= (NM_001164507.2, NM_001271208.2, NM_004543.5).
Identifiers: ClinVar variation 1930396 (VCV001930396.5), dbSNP rs2552260067, ClinGen allele CA429242566.